The following is an entry in ClinVar:

NM_015378.4(VPS13D):c.9834C>G (p.Ile3278Met)

Gene: VPS13D (vacuolar protein sorting 13 homolog D; plus strand). Cytogenetic location: 1p36.22.
Variant type: single nucleotide variant.
Coding change: c.9834C>G on transcript NM_015378.4 (MANE Select); coding-DNA position 9834, C replaced by G.
Protein change: p.Ile3278Met; replaces isoleucine 3278 with methionine.
Molecular consequence: missense variant.
Genome position (GRCh38, 1-based): chr1:12,356,053, C>G. VCF-style: chr1-12356053-C-G. GRCh37 (hg19) VCF-style: chr1-12416110-C-G.
Other names: c.9759C>G, p.Ile3253Met (NM_018156.4); c.9834C>G (NM_015378.2); short protein forms I3253M, I3278M.
Identifiers: ClinVar variation 2175341 (VCV002175341.2), dbSNP rs1386688656, ClinGen allele CA338495359.
Genomic context (GRCh38, chr1:12,356,053, plus strand): 5'-CCGTCGGCAGCTGAACCTCACCATCCGGATTGTGTGTCGAGCAGAAGGATCCTTAAAGAT[C>G]TTCATTTCTGCTCCATATTGGCTGATTAACAAAACAGGTACATACAGGGGCTGCTCAAGT-3'
Protein context (NP_056193.2, residues 3268-3288): IVCRAEGSLK[Ile3278Met]FISAPYWLIN

ClinVar aggregate classification (germline): Uncertain significance. Review status: criteria provided, multiple submitters, no conflicts (2 of 4 stars). 2 submissions from 2 submitters: Uncertain significance (2). Last evaluated 2025-05-23.

Conditions:
Inborn genetic diseases. Identifiers: MedGen C0950123, MeSH D030342.

Allele frequency attached by ClinVar (database versions not stated): gnomAD exomes below 0.00001; TOPMed 0.00002; gnomAD 0.00001.
gnomAD v4.1: 3 of 1,613,546 alleles (0.00019%); highest among the groups gnomAD compares: Admixed American, 0.0033%; no homozygotes.

Submissions (2):

Ambry Genetics
Classification: Uncertain significance for Inborn genetic diseases. Last evaluated: 2025-05-23. Review status: criteria provided, single submitter. Criteria: Ambry Variant Classification Scheme 2023. Collection method: clinical testing. Allele origin: germline.

Labcorp Genetics (formerly Invitae), Labcorp
Classification: Uncertain significance. Last evaluated: 2022-03-09. Review status: criteria provided, single submitter. Criteria: Invitae Variant Classification Sherloc (09022015). Collection method: clinical testing. Allele origin: germline.
Comment: This sequence change replaces isoleucine, which is neutral and non-polar, with methionine, which is neutral and non-polar, at codon 3278 of the VPS13D protein (p.Ile3278Met). This variant is not present in population databases (gnomAD no frequency). This variant has not been reported in the literature in individuals affected with VPS13D-related conditions. Algorithms developed to predict the effect of missense changes on protein structure and function are either unavailable or do not agree on the potential impact of this missense change (SIFT: "Deleterious"; PolyPhen-2: "Probably Damaging"; Align-GVGD: "Class C0"). In summary, the available evidence is currently insufficient to determine the role of this variant in disease. Therefore, it has been classified as a Variant of Uncertain Significance.